The following is an entry in ClinVar:

NM_053025.4(MYLK):c.3076G>T (p.Val1026Leu)

Gene: MYLK (myosin light chain kinase; minus strand). Cytogenetic location: 3q21.1.
Variant type: single nucleotide variant.
Coding change: c.3076G>T on transcript NM_053025.4 (MANE Select); coding-DNA position 3076, G replaced by T.
Protein change: p.Val1026Leu; replaces valine 1026 with leucine.
Molecular consequence: missense variant.
Genome position (GRCh38, 1-based): chr3:123,700,392, C>A on the plus strand (G>T on the coding strand, the complement: MYLK is on the minus strand). VCF-style: chr3-123700392-C-A. GRCh37 (hg19) VCF-style: chr3-123419239-C-A.
Other names: c.2548G>T, p.Val850Leu (NM_001321309.2); c.2869G>T, p.Val957Leu (NM_053026.4, NM_053028.4); c.3076G>T, p.Val1026Leu (NM_053027.4); short protein forms V1026L, V850L, V957L.
Identifiers: ClinVar variation 3642186 (VCV003642186.2).

ClinVar aggregate classification (germline): Uncertain significance (1 of 4 stars; one submission).

Conditions:
Aortic aneurysm, familial thoracic 7 (AAT7). Also called: AORTIC DISSECTION, FAMILIAL, WITH OR WITHOUT AORTIC ANEURYSM. Identifiers: MedGen C3151077, MONDO:0013418, OMIM 613780.

gnomAD v4.1: 18 of 1,613,778 alleles (0.0011%); highest among the groups gnomAD compares: South Asian, 0.016%; no homozygotes.

Submission:

Labcorp Genetics (formerly Invitae), Labcorp
Classification: Uncertain significance for Aortic aneurysm, familial thoracic 7. Last evaluated: 2024-06-12. Review status: criteria provided, single submitter. Criteria: Invitae Variant Classification Sherloc (09022015). Collection method: clinical testing. Allele origin: germline.
Comment: This sequence change replaces valine, which is neutral and non-polar, with leucine, which is neutral and non-polar, at codon 1026 of the MYLK protein (p.Val1026Leu). This variant is present in population databases (rs778578954, gnomAD 0.02%). This variant has not been reported in the literature in individuals affected with MYLK-related conditions. Advanced modeling of protein sequence and biophysical properties (such as structural, functional, and spatial information, amino acid conservation, physicochemical variation, residue mobility, and thermodynamic stability) performed at Invitae indicates that this missense variant is not expected to disrupt MYLK protein function with a negative predictive value of 80%. In summary, the available evidence is currently insufficient to determine the role of this variant in disease. Therefore, it has been classified as a Variant of Uncertain Significance.